The following is an entry in ClinVar:

NM_003803.4(MYOM1):c.1955G>A (p.Ser652Asn)

Gene: MYOM1 (myomesin 1; minus strand). Cytogenetic location: 18p11.31.
Variant type: single nucleotide variant.
Coding change: c.1955G>A on transcript NM_003803.4 (MANE Select); coding-DNA position 1955, G replaced by A.
Protein change: p.Ser652Asn; replaces serine 652 with asparagine.
Molecular consequence: missense variant.
Genome position (GRCh38, 1-based): chr18:3,142,009, C>T on the plus strand (G>A on the coding strand, the complement: MYOM1 is on the minus strand). VCF-style: chr18-3142009-C-T. GRCh37 (hg19) VCF-style: chr18-3142007-C-T.
Other names: c.1955G>A (NM_003803.3); c.1955G>A, p.Ser652Asn (NM_019856.2); short protein forms S652N.
Identifiers: ClinVar variation 1435064 (VCV001435064.9), dbSNP rs752331737, ClinGen allele CA8874786.

ClinVar aggregate classification (germline): Uncertain significance. Review status: criteria provided, multiple submitters, no conflicts (2 of 4 stars). 2 submissions from 2 submitters: Uncertain significance (2). Last evaluated 2025-02-05.

Conditions:
Hypertrophic cardiomyopathy. Also called: HYPERTROPHIC MYOCARDIOPATHY. Identifiers: Orphanet 217569, MedGen C0007194, MeSH D002312, MONDO:0005045, HP:0001639.

Allele frequency attached by ClinVar (database versions not stated): gnomAD 0.00002; ExAC 0.00010.
gnomAD v4.1: 115 of 1,613,708 alleles (0.0071%); highest among the groups gnomAD compares: South Asian, 0.12%; 2 homozygotes.

Submissions (2):

Labcorp Genetics (formerly Invitae), Labcorp
Classification: Uncertain significance for Hypertrophic cardiomyopathy. Last evaluated: 2025-02-05. Review status: criteria provided, single submitter. Criteria: Invitae Variant Classification Sherloc (09022015). Collection method: clinical testing. Allele origin: germline.
Comment: This sequence change replaces serine, which is neutral and polar, with asparagine, which is neutral and polar, at codon 652 of the MYOM1 protein (p.Ser652Asn). This variant is present in population databases (rs752331737, gnomAD 0.09%), and has an allele count higher than expected for a pathogenic variant. This variant has not been reported in the literature in individuals affected with MYOM1-related conditions. ClinVar contains an entry for this variant (Variation ID: 1435064). Invitae Evidence Modeling of protein sequence and biophysical properties (such as structural, functional, and spatial information, amino acid conservation, physicochemical variation, residue mobility, and thermodynamic stability) indicates that this missense variant is not expected to disrupt MYOM1 protein function with a negative predictive value of 80%. In summary, the available evidence is currently insufficient to determine the role of this variant in disease. Therefore, it has been classified as a Variant of Uncertain Significance.

Ambry Genetics
Classification: Uncertain significance. Last evaluated: 2024-11-09. Review status: criteria provided, single submitter. Criteria: Ambry Variant Classification Scheme 2023. Collection method: clinical testing. Allele origin: germline.